The following is an entry in ClinVar:

NM_000540.3(RYR1):c.9877C>T (p.Pro3293Ser)

Gene: RYR1 (ryanodine receptor 1; plus strand). Cytogenetic location: 19q13.2.
Variant type: single nucleotide variant.
Coding change: c.9877C>T on transcript NM_000540.3 (MANE Select); coding-DNA position 9877, C replaced by T.
Protein change: p.Pro3293Ser; replaces proline 3293 with serine.
Molecular consequence: missense variant.
Genome position (GRCh38, 1-based): chr19:38,517,550, C>T. VCF-style: chr19-38517550-C-T. GRCh37 (hg19) VCF-style: chr19-39008190-C-T.
Other names: c.9877C>T, p.Pro3293Ser (NM_001042723.2); short protein forms P3293S.
Identifiers: ClinVar variation 4863676 (VCV004863676.2).

ClinVar aggregate classification (germline): Uncertain significance (1 of 4 stars; one submission).

Conditions:
Inborn genetic diseases. Identifiers: MedGen C0950123, MeSH D030342.

gnomAD v4.1: 4 of 1,613,744 alleles (0.00025%); highest among the groups gnomAD compares: Admixed American, 0.0017%; no homozygotes.

Submission:

Ambry Genetics
Classification: Uncertain significance for Inborn genetic diseases. Last evaluated: 2026-07-02. Review status: criteria provided, single submitter. Criteria: Ambry Variant Classification Scheme 2023. Collection method: clinical testing. Allele origin: germline.
Comment: The p.P3293S variant (also known as c.9877C>T), located in coding exon 66 of the RYR1 gene, results from a C to T substitution at nucleotide position 9877. The proline at codon 3293 is replaced by serine, an amino acid with similar properties. This amino acid position is conserved. In addition, the in silico prediction for this alteration is inconclusive. Based on the available evidence, the clinical significance of this variant remains unclear.